The following is an entry in ClinVar:

ClinVar aggregate classification (germline): Pathogenic. Review status: criteria provided, multiple submitters, no conflicts (2 of 4 stars). 8 submissions from 8 submitters: Pathogenic (8). Last evaluated 2026-01-20.

Conditions:
CLCN1-related disorder. Also called: CLCN1-related condition.
Congenital myotonia, autosomal dominant form (THD). Also called: Myotonia congenita autosomal dominant; THOMSEN DISEASE. Identifiers: Orphanet 614, MedGen C2936781, MONDO:0008055, OMIM 160800.
Congenital myotonia, autosomal recessive form. Also called: myotonia congenita, autosomal recessive; BECKER DISEASE; Becker Generalized Myotonia. Identifiers: Orphanet 614, MedGen C0751360, MONDO:0009715, OMIM 255700.

Allele frequency attached by ClinVar (database versions not stated): gnomAD exomes 0.00001; TOPMed 0.00001; gnomAD 0.00001.
gnomAD v4.1: 10 of 1,609,514 alleles (0.00062%); highest among the groups gnomAD compares: Non-Finnish European, 0.00085%; no homozygotes.

Submissions (8):

Labcorp Genetics (formerly Invitae), Labcorp
Classification: Pathogenic for Congenital myotonia, autosomal recessive form; Congenital myotonia, autosomal dominant form. Last evaluated: 2026-01-20. Review status: criteria provided, single submitter. Criteria: Invitae Variant Classification Sherloc (09022015). Collection method: clinical testing. Allele origin: germline.
Comment: This sequence change affects a donor splice site in intron 19 of the CLCN1 gene. It is expected to disrupt RNA splicing. Variants that disrupt the donor or acceptor splice site typically lead to a loss of protein function (PMID: 16199547), and loss-of-function variants in CLCN1 are known to be pathogenic (PMID: 17932099, 22094069, 23739125). This variant is present in population databases (no rsID available, gnomAD 0.002%). Disruption of this splice site has been observed in individuals with autosomal recessive myotonia congenita (PMID: 10215406, 24349310, 25065301, 26260254). This variant is also known as c.2452+2T>A. ClinVar contains an entry for this variant (Variation ID: 280102). Algorithms developed to predict the effect of sequence changes on RNA splicing suggest that this variant may disrupt the consensus splice site. For these reasons, this variant has been classified as Pathogenic.

GeneDx
Classification: Pathogenic. Last evaluated: 2024-03-06. Review status: criteria provided, single submitter. Criteria: GeneDx Variant Classification Process June 2021. Collection method: clinical testing. Allele origin: germline. Affected: yes.
Comment: Reported previously in patients with myotonia congenita who also harbored a second variant (phase unknown) (PMID: 10215406, 24349310); Canonical splice site variant predicted to result in a null allele in a gene for which loss of function is a known mechanism of disease; Not observed at significant frequency in large population cohorts (gnomAD); This variant is associated with the following publications: (PMID: 25525159, 10215406, 17932099, 26260254, 24349310, 28427807, 23739125, 22094069, 25065301, 29851785)

Laboratory of Medical Genetics, National & Kapodistrian University of Athens
Classification: Pathogenic for Congenital myotonia, autosomal recessive form. Last evaluated: 2024-02-20. Review status: criteria provided, single submitter. Criteria: ACMG Guidelines, 2015. Collection method: clinical testing. Allele origin: germline. Affected: yes.

Greenwood Genetic Center Diagnostic Laboratories, Greenwood Genetic Center
Classification: Pathogenic for Congenital myotonia, autosomal recessive form. Last evaluated: 2023-06-01. Review status: criteria provided, single submitter. Criteria: ACMG Guidelines, 2015. Collection method: clinical testing. Allele origin: germline. Affected: yes.
Comment: PVS1, PM2, PM3

Women's Health and Genetics/Laboratory Corporation of America, LabCorp
Classification: Pathogenic for Congenital myotonia, autosomal recessive form. Last evaluated: 2023-05-03. Review status: criteria provided, single submitter. Criteria: LabCorp Variant Classification Summary - May 2015. Collection method: clinical testing. Allele origin: germline.
Comment: Variant summary: CLCN1 c.2364+2T>A is located in a canonical splice-site and is predicted to affect mRNA splicing resulting in a significantly altered protein due to either exon skipping, shortening, or inclusion of intronic material. Several computational tools predict a significant impact on normal splicing: Four predict the variant abolishes the canonical a 5' splicing donor site. The variant allele was found at a frequency of 8e-06 in 250598 control chromosomes (gnomAD). c.2364+2T>A has been reported in the literature in individuals affected with Myotonia congenita (examples: Portaro_2018, Liu_2015, Lo Monaco_2015, Skalova_2013, Sangiuolo_1998). These data indicate that the variant is likely to be associated with disease. The following publications have been ascertained in the context of this evaluation (PMID: 26260254, 25065301, 29851785, 10215406, 24349310). Three clinical diagnostic laboratories have submitted clinical-significance assessments for this variant to ClinVar after 2014 and all classified the variant as pathogenic. Based on the evidence outlined above, the variant was classified as pathogenic.

Revvity Omics, Revvity
Classification: Pathogenic. Last evaluated: 2021-09-29. Review status: criteria provided, single submitter. Criteria: ACMG Guidelines, 2015. Collection method: clinical testing. Allele origin: germline.

Blueprint Genetics
Classification: Pathogenic for CLCN1-related disorders. Last evaluated: 2019-06-06. Review status: criteria provided, single submitter. Criteria: ACMG Guidelines, 2015. Collection method: clinical testing. Allele origin: germline. Affected: yes. Observed: 1 variant allele.

Athena Diagnostics
Classification: Pathogenic. Last evaluated: 2014-03-14. Review status: criteria provided, single submitter. Criteria: Athena Diagnostics Criteria. Collection method: clinical testing. Allele origin: germline.

Literature cited by the submitters: PubMed 16199547 (cited by Labcorp Genetics (formerly Invitae), Labcorp); PubMed 17932099 (cited by Labcorp Genetics (formerly Invitae), Labcorp); PubMed 22094069 (cited by Labcorp Genetics (formerly Invitae), Labcorp); PubMed 23739125 (cited by Labcorp Genetics (formerly Invitae), Labcorp); PubMed 10215406 (cited by 3 submitters); PubMed 24349310 (cited by Labcorp Genetics (formerly Invitae), Labcorp and Women's Health and Genetics/Laboratory Corporation of America, LabCorp); PubMed 25065301 (cited by Labcorp Genetics (formerly Invitae), Labcorp and Women's Health and Genetics/Laboratory Corporation of America, LabCorp); PubMed 26260254 (cited by Labcorp Genetics (formerly Invitae), Labcorp and Women's Health and Genetics/Laboratory Corporation of America, LabCorp); PubMed 29851785 (cited by Women's Health and Genetics/Laboratory Corporation of America, LabCorp).

NM_000083.3(CLCN1):c.2364+2T>A

Gene: CLCN1 (chloride voltage-gated channel 1; plus strand). Cytogenetic location: 7q34.
Variant type: single nucleotide variant.
Coding change: c.2364+2T>A on transcript NM_000083.3 (MANE Select); the canonical splice donor site of the intron after coding-DNA position 2364, T replaced by A.
Molecular consequence: splice donor variant.
Genome position (GRCh38, 1-based): chr7:143,346,660, T>A. VCF-style: chr7-143346660-T-A. GRCh37 (hg19) VCF-style: chr7-143043753-T-A.
Identifiers: ClinVar variation 280102 (VCV000280102.20), dbSNP rs886041384, ClinGen allele CA10603045.